The following is an entry in ClinVar:

NM_198578.4(LRRK2):c.1719T>C (p.Phe573=)

Gene: LRRK2 (leucine rich repeat kinase 2; plus strand). Cytogenetic location: 12q12.
Variant type: single nucleotide variant.
Coding change: c.1719T>C on transcript NM_198578.4 (MANE Select); coding-DNA position 1719, T replaced by C.
Protein change: p.Phe573=; no amino-acid change (phenylalanine 573 retained).
Molecular consequence: synonymous variant.
Genome position (GRCh38, 1-based): chr12:40,274,645, T>C. VCF-style: chr12-40274645-T-C. GRCh37 (hg19) VCF-style: chr12-40668447-T-C.
Other names: p.Phe573=.
Identifiers: ClinVar variation 4683746 (VCV004683746.1).

ClinVar aggregate classification (germline): Likely benign (1 of 4 stars; one submission).

gnomAD v4.1: 12 of 1,613,958 alleles (0.00074%); highest among the groups gnomAD compares: Non-Finnish European, 0.001%; no homozygotes.

Submission:

Mayo Clinic Laboratories, Mayo Clinic
Classification: Likely benign. Last evaluated: 2025-08-01. Review status: criteria provided, single submitter. Criteria: ACMG Guidelines, 2015. Collection method: clinical testing. Allele origin: germline. Observed: 1 variant allele.
Comment: BP4, BP7